The following is an entry in ClinVar:

NM_001008537.3(NEXMIF):c.1591G>C (p.Val531Leu)

Gene: NEXMIF (neurite extension and migration factor; minus strand). Cytogenetic location: Xq13.3.
Variant type: single nucleotide variant.
Coding change: c.1591G>C on transcript NM_001008537.3 (MANE Select); coding-DNA position 1591, G replaced by C.
Protein change: p.Val531Leu; replaces valine 531 with leucine.
Molecular consequence: missense variant.
Genome position (GRCh38, 1-based): chrX:74,742,966, C>G on the plus strand (G>C on the coding strand, the complement: NEXMIF is on the minus strand). VCF-style: chrX-74742966-C-G. GRCh37 (hg19) VCF-style: chrX-73962801-C-G.
Other names: short protein forms V531L.
Identifiers: ClinVar variation 1804325 (VCV001804325.1), dbSNP rs1341927874, ClinGen allele CA413670147.

ClinVar aggregate classification (germline): Uncertain significance (1 of 4 stars; one submission).

Allele frequency attached by ClinVar (database versions not stated): TOPMed below 0.00001; gnomAD 0.00001.
gnomAD v4.1: 1 of 1,209,297 alleles (0.000083%); highest among the groups gnomAD compares: Admixed American, 0.0022%; no homozygotes.

Submission:

GeneDx
Classification: Uncertain significance. Last evaluated: 2022-06-15. Review status: criteria provided, single submitter. Criteria: GeneDx Variant Classification Process June 2021. Collection method: clinical testing. Allele origin: germline. Affected: yes.
Comment: Not observed at significant frequency in large population cohorts (gnomAD); In silico analysis supports that this missense variant does not alter protein structure/function; Has not been previously published as pathogenic or benign to our knowledge